The following is an entry in ClinVar:

ClinVar aggregate classification (germline): Uncertain significance (1 of 4 stars; one submission).

Conditions:
Familial adenomatous polyposis 1 (FAP1). Also called: FAMILIAL ADENOMATOUS POLYPOSIS 1, ATTENUATED; POLYPOSIS, ADENOMATOUS INTESTINAL. Identifiers: MedGen C2713442, MONDO:0021056, OMIM 175100. Disease mechanism: loss of function.

Allele frequency attached by ClinVar (database versions not stated): gnomAD 0.00003 and 0.00004; TOPMed 0.00002.

Submission:

Labcorp Genetics (formerly Invitae), Labcorp
Classification: Uncertain significance for Familial adenomatous polyposis 1. Last evaluated: 2026-01-05. Review status: criteria provided, single submitter. Criteria: Invitae Variant Classification Sherloc (09022015). Collection method: clinical testing. Allele origin: germline.
Comment: This variant occurs in a non-coding region of the APC gene. It does not change the encoded amino acid sequence of the APC protein. This variant is not present in population databases (gnomAD no frequency). This variant has not been reported in the literature in individuals affected with APC-related conditions. ClinVar contains an entry for this variant (Variation ID: 469876). Experimental studies and prediction algorithms are not available or were not evaluated, and the functional significance of this variant is currently unknown. In summary, the available evidence is currently insufficient to determine the role of this variant in disease. Therefore, it has been classified as a Variant of Uncertain Significance.

NC_000005.10:g.112707441G>A

Gene: APC (APC regulator of Wnt signaling pathway; plus strand). Cytogenetic location: 5q22.2.
Variant type: single nucleotide variant.
Genome position: GRCh38 VCF-style: chr5-112707441-G-A. GRCh37 (hg19) VCF-style: chr5-112043138-G-A.
Identifiers: ClinVar variation 469876 (VCV000469876.10), dbSNP rs979191484, ClinGen allele CA124924671.
Genomic context (GRCh38, chr5:112,707,441, plus strand): 5'-CACGGGACAGAACAGCGAAGCAGTGCCCGGCAAGCGGAGCGCAGCACCCATTGCGCCTGC[G>A]CATAACAGGCTCTAGTCTCCGGGCTGTGGGAAGCCAGCAACACCTCTCACGCATGCGCAT-3'